The following is an entry in ClinVar:

ClinVar aggregate classification (germline): Uncertain significance (1 of 4 stars; one submission).

Conditions:
GNAS-related disorder. Identifiers: MedGen CN380105.

gnomAD v4.1: 11 of 1,613,432 alleles (0.00068%); highest among the groups gnomAD compares: South Asian, 0.0088%; no homozygotes.

Submission:

PreventionGenetics, part of Exact Sciences
Classification: Uncertain significance for GNAS-related condition. Last evaluated: 2026-08-25. Review status: criteria provided, single submitter. Criteria: ACMG Guidelines, 2015. Collection method: clinical testing. Allele origin: germline.
Comment: The GNAS c.361C>T variant is predicted to result in the amino acid substitution p.Pro121Ser. Using an alternative transcript (NM_000516), this variant is referred to as the pre-coding variant c.-38101C>T. To our knowledge, this variant has not been reported in the literature. This variant is reported in 0.0033% of alleles in individuals of South Asian descent in gnomAD. At this time, the clinical significance of this variant is uncertain due to the absence of conclusive functional and genetic evidence.

NM_080425.4(GNAS):c.361C>T (p.Pro121Ser)

Gene: GNAS (GNAS complex locus; plus strand). Cytogenetic location: 20q13.32.
Variant type: single nucleotide variant.
Coding change: c.361C>T on transcript NM_080425.4 (MANE Plus Clinical); coding-DNA position 361, C replaced by T.
Protein change: p.Pro121Ser; replaces proline 121 with serine.
Molecular consequence: missense variant. On other transcripts: synonymous variant (2), intron variant (3).
Genome position (GRCh38, 1-based): chr20:58,853,626, C>T. VCF-style: chr20-58853626-C-T. GRCh37 (hg19) VCF-style: chr20-57428681-C-T.
Other names: c.174C>T, p.Ser58= (NM_001077490.3, NM_001309883.1); c.361C>T, p.Pro121Ser (NM_001410913.1); c.*42+12740C>T (NM_016592.5); c.43+12740C>T (NM_001410912.1); c.-39+11751C>T (NM_001309861.2); short protein forms P121S.
Identifiers: ClinVar variation 4987209 (VCV004987209.1).